The following is an entry in ClinVar:

NM_000548.5(TSC2):c.1736C>G (p.Pro579Arg)

Gene: TSC2 (TSC complex subunit 2; plus strand). Cytogenetic location: 16p13.3.
Variant type: single nucleotide variant.
Coding change: c.1736C>G on transcript NM_000548.5 (MANE Select); coding-DNA position 1736, C replaced by G.
Protein change: p.Pro579Arg; replaces proline 579 with arginine.
Molecular consequence: missense variant. On other transcripts: non-coding transcript variant (5).
Genome position (GRCh38, 1-based): chr16:2,070,475, C>G. VCF-style: chr16-2070475-C-G. GRCh37 (hg19) VCF-style: chr16-2120476-C-G.
Other names: c.1736C>G, p.Pro579Arg (NM_001077183.3, NM_001114382.3, NM_001363528.2 and 6 more transcripts); c.1625C>G, p.Pro542Arg (NM_001318827.2, NM_001406678.1, NM_001406670.1); c.1589C>G, p.Pro530Arg (NM_001318829.2, NM_001406679.1, NM_001406675.1 and 1 more transcripts); c.1136C>G, p.Pro379Arg (NM_001318831.2, NM_001406680.1, NM_001406682.1 and 6 more transcripts); c.1769C>G, p.Pro590Arg (NM_001318832.2); c.1274C>G, p.Pro425Arg (NM_001406681.1); c.392C>G, p.Pro131Arg (NM_001406697.1, NM_001406689.1, NM_001406690.1 and 6 more transcripts); c.134C>G, p.Pro45Arg (NM_001406698.1); and 3 more; short protein forms P131R, P379R, P425R, P45R, P530R, P542R, P560R, P575R.
Identifiers: ClinVar variation 3232090 (VCV003232090.2), dbSNP rs1471786715, ClinGen allele CA394272723.

ClinVar aggregate classification (germline): Uncertain significance (1 of 4 stars; one submission).

Conditions:
Hereditary cancer-predisposing syndrome. Also called: Neoplastic Syndromes, Hereditary; Tumor predisposition; Hereditary Cancer Syndrome; Hereditary neoplastic syndrome. Identifiers: Orphanet 140162, MedGen C0027672, MeSH D009386, MONDO:0015356.

Submission:

Ambry Genetics
Classification: Uncertain significance for Hereditary cancer-predisposing syndrome. Last evaluated: 2026-03-24. Review status: criteria provided, single submitter. Criteria: Ambry Variant Classification Scheme 2023. Collection method: clinical testing. Allele origin: germline.
Comment: The p.P579R variant (also known as c.1736C>G), located in coding exon 16 of the TSC2 gene, results from a C to G substitution at nucleotide position 1736. The proline at codon 579 is replaced by arginine, an amino acid with dissimilar properties. This amino acid position is conserved. In addition, this alteration is predicted to be deleterious by in silico analysis. Since supporting evidence is limited at this time, the clinical significance of this alteration remains unclear.